The following is an entry in ClinVar:

NM_012434.5(SLC17A5):c.724_727del (p.Leu242fs)

Gene: SLC17A5 (solute carrier family 17 member 5; minus strand). Cytogenetic location: 6q13.
Variant type: Deletion.
Coding change: c.724_727del on transcript NM_012434.5 (MANE Select); coding-DNA positions 724 to 727, 4 bases deleted (CTTT; older notation c.724_727delCTTT).
Protein change: p.Leu242fs; shifts the reading frame from leucine 242.
Molecular consequence: frameshift variant.
Genome position (GRCh38, 1-based): chr6:73,635,474-73,635,477, AAAG deleted on the plus strand (CTTT on the coding strand, the reverse complement: SLC17A5 is on the minus strand); deleting any 4 consecutive bases within chr6:73,635,474-73,635,480 gives the same sequence; the c. name uses the placement nearest the transcript's 3' end. VCF-style (leftmost placement, unchanged base first): chr6-73635473-AAAAG-A. GRCh37 (hg19) VCF-style: chr6-74345196-AAAAG-A.
Other names: c.493_496del, p.Leu165fs (NM_001382629.1); c.724_727del, p.Leu242fs (NM_001382630.1, NM_001382633.1, NM_001382634.1); c.745_748del, p.Leu249fs (NM_001382631.1); c.637_640del, p.Leu213fs (NM_001382632.1); c.721_724del, p.Leu241fs (NM_001382635.1); c.406_409del, p.Leu136fs (NM_001382636.1); short protein forms L241fs, L136fs, L165fs, L213fs, L249fs, L242fs.
Identifiers: ClinVar variation 3594115 (VCV003594115.2).

ClinVar aggregate classification (germline): Pathogenic/Likely pathogenic. Review status: criteria provided, multiple submitters, no conflicts (2 of 4 stars). 2 submissions from 2 submitters: Pathogenic (1); Likely pathogenic (1). Last evaluated 2024-06-11.

Conditions:
Sialic acid storage disease, severe infantile type (ISSD). Also called: Infantile Sialic Acid Storage Disease; INFANTILE SIALIC ACID STORAGE DISORDER; N-ACETYLNEURAMINIC ACID STORAGE DISEASE; NANA STORAGE DISEASE; SIALURIA, INFANTILE FORM; Free sialic acid storage disease, infantile form. Identifiers: Orphanet 309324, Orphanet 834, MedGen C1096902, MONDO:0010027, OMIM 269920.
Salla disease (SD). Also called: Sialuria, Finnish type; N-acetylneuraminic acid (NANA) storage disease (NSD); Infantile sialic acid storage disorder (ISSD); Less Severe FSASD (Salla Disease). Identifiers: Orphanet 309334, Orphanet 834, MedGen C1096903, MONDO:0011449, OMIM 604369.

Submissions (2):

Myriad Genetics, Inc.
Classification: Pathogenic for Sialic acid storage disease, severe infantile type. Last evaluated: 2024-06-11. Review status: criteria provided, single submitter. Criteria: Myriad Autosomal Dominant, Autosomal Recessive and X-Linked Classification Criteria (2023). Collection method: clinical testing. Allele origin: unknown.
Comment: NM_012434.4(SLC17A5):c.724_727delCTTT(L242Cfs*5) is expected to be pathogenic in the context of free sialic acid storage disorders. This variant is predicted to lead to an abnormal or absent protein product due to the creation of a premature termination codon in SLC17A5, a gene where loss-of-function variants are known to be pathogenic. Please note: this variant was assessed in the context of healthy population screening.

Fulgent Genetics
Classification: Likely pathogenic for Sialic acid storage disease, severe infantile type; Salla disease. Last evaluated: 2024-01-21. Review status: criteria provided, single submitter. Criteria: ACMG Guidelines, 2015. Collection method: clinical testing. Allele origin: germline.